The following is an entry in ClinVar:

NM_001277062.2(MFF):c.372A>G (p.Leu124=)

Gene: MFF (mitochondrial fission factor; plus strand). Cytogenetic location: 2q36.3.
Variant type: single nucleotide variant.
Coding change: c.372A>G on transcript NM_001277062.2 (MANE Select); coding-DNA position 372, A replaced by G.
Protein change: p.Leu124=; no amino-acid change (leucine 124 retained).
Molecular consequence: synonymous variant. On other transcripts: non-coding transcript variant (1).
Genome position (GRCh38, 1-based): chr2:227,340,312, A>G. VCF-style: chr2-227340312-A-G. GRCh37 (hg19) VCF-style: chr2-228205028-A-G.
Other names: c.450A>G, p.Leu150= (NM_001277061.2, NM_020194.5); c.372A>G, p.Leu124= (NM_001277063.2, NM_001277064.2, NM_001277065.2 and 2 more transcripts); c.222A>G, p.Leu74= (NM_001277067.1).
Identifiers: ClinVar variation 387250 (VCV000387250.1), dbSNP rs1057522742, ClinGen allele CA16604155.

ClinVar aggregate classification (germline): Likely benign (1 of 4 stars; one submission).

Allele frequency attached by ClinVar (database versions not stated): gnomAD exomes below 0.00001.
gnomAD v4.1: 3 of 1,613,868 alleles (0.00019%); no homozygotes.

Submission:

GeneDx
Classification: Likely benign. Last evaluated: 2016-07-07. Review status: criteria provided, single submitter. Criteria: GeneDx Variant Classification (06012015). Collection method: clinical testing. Allele origin: germline. Affected: yes.
Comment: This variant is considered likely benign or benign based on one or more of the following criteria: it is a conservative change, it occurs at a poorly conserved position in the protein, it is predicted to be benign by multiple in silico algorithms, and/or has population frequency not consistent with disease.